The following is an entry in ClinVar:

NM_017934.7(PHIP):c.4120A>T (p.Asn1374Tyr)

Genes: IRAK1BP1 (interleukin 1 receptor associated kinase 1 binding protein 1; plus strand), PHIP (PHIP subunit of CUL4-Ring ligase complex; minus strand). Cytogenetic location: 6q14.1.
Variant type: single nucleotide variant.
Coding change: c.4120A>T on transcript NM_017934.7 (MANE Select); coding-DNA position 4120, A replaced by T.
Protein change: p.Asn1374Tyr; replaces asparagine 1374 with tyrosine.
Molecular consequence: missense variant.
Genome position (GRCh38, 1-based): chr6:78,947,709, T>A on the plus strand (A>T on the coding strand, the complement: PHIP is on the minus strand). VCF-style: chr6-78947709-T-A. GRCh37 (hg19) VCF-style: chr6-79657426-T-A.
Other names: short protein forms N1374Y.
Identifiers: ClinVar variation 2637250 (VCV002637250.1), dbSNP rs754515374, ClinGen allele CA364640634.

ClinVar aggregate classification (germline): Uncertain significance (1 of 4 stars; one submission).

Conditions:
PHIP-related disorder. Also called: PHIP-related condition; PHIP-related disorders.

Submission:

PreventionGenetics, part of Exact Sciences
Classification: Uncertain significance for PHIP-related condition. Last evaluated: 2022-09-29. Review status: criteria provided, single submitter. Criteria: ACMG Guidelines, 2015. Collection method: clinical testing. Allele origin: germline.
Comment: The PHIP c.4120A>T variant is predicted to result in the amino acid substitution p.Asn1374Tyr. To our knowledge, this variant has not been reported in the literature or in a large population database, indicating this variant is rare. At this time, the clinical significance of this variant is uncertain due to the absence of conclusive functional and genetic evidence.